The following is an entry in ClinVar:

NM_000550.3(TYRP1):c.385+1G>A

Gene: TYRP1 (tyrosinase related protein 1; plus strand). Cytogenetic location: 9p23.
Variant type: single nucleotide variant.
Coding change: c.385+1G>A on transcript NM_000550.3 (MANE Select); the canonical splice donor site of the intron after coding-DNA position 385, G replaced by A.
Molecular consequence: splice donor variant.
Genome position (GRCh38, 1-based): chr9:12,694,382, G>A. VCF-style: chr9-12694382-G-A. GRCh37 (hg19) VCF-style: chr9-12694382-G-A.
Identifiers: ClinVar variation 2192066 (VCV002192066.4), dbSNP rs751763527, ClinGen allele CA4985187.
Genomic context (GRCh38, chr9:12,694,382, plus strand): 5'-ACTGTGGGACGTGCCGTCCTGGCTGGAGAGGAGCTGCCTGTGACCAGAGGGTTCTCATAG[G>A]TAAGTGGAGATATGAATGAGTTCATAAGTCCTGCATGAGACTCAAGGCTCTTAATAAAAT-3'

ClinVar aggregate classification (germline): Likely pathogenic (1 of 4 stars; one submission).

Allele frequency attached by ClinVar (database versions not stated): ExAC 0.00001; TOPMed 0.00001.
gnomAD v4.1: 1 of 1,613,854 alleles (0.000062%); highest among the groups gnomAD compares: Admixed American, 0.0017%; no homozygotes.

Submission:

Labcorp Genetics (formerly Invitae), Labcorp
Classification: Likely pathogenic. Last evaluated: 2024-01-29. Review status: criteria provided, single submitter. Criteria: Invitae Variant Classification Sherloc (09022015). Collection method: clinical testing. Allele origin: germline.
Comment: This sequence change affects a donor splice site in intron 2 of the TYRP1 gene. It is expected to disrupt RNA splicing. Variants that disrupt the donor or acceptor splice site typically lead to a loss of protein function (PMID: 16199547), and loss-of-function variants in TYRP1 are known to be pathogenic (PMID: 8651291, 9345097). This variant is present in population databases (rs751763527, gnomAD 0.003%). This variant has not been reported in the literature in individuals affected with TYRP1-related conditions. ClinVar contains an entry for this variant (Variation ID: 2192066). Algorithms developed to predict the effect of sequence changes on RNA splicing suggest that this variant may disrupt the consensus splice site. In summary, the currently available evidence indicates that the variant is pathogenic, but additional data are needed to prove that conclusively. Therefore, this variant has been classified as Likely Pathogenic.

Literature cited by the submitters: PubMed 16199547; PubMed 8651291; PubMed 9345097.